The following is an entry in ClinVar:

ClinVar aggregate classification (germline): Uncertain significance. Review status: criteria provided, multiple submitters, no conflicts (2 of 4 stars). 2 submissions from 2 submitters: Uncertain significance (2). Last evaluated 2023-04-30.

Allele frequency attached by ClinVar (database versions not stated): gnomAD 0.00001 and 0.00002; TOPMed 0.00001; gnomAD exomes 0.00005 and 0.00008; ExAC 0.00009.
gnomAD v4.1: 77 of 1,613,678 alleles (0.0048%); highest among the groups gnomAD compares: South Asian, 0.077%; 1 homozygote.

Submissions (2):

Labcorp Genetics (formerly Invitae), Labcorp
Classification: Uncertain significance. Last evaluated: 2023-04-30. Review status: criteria provided, single submitter. Criteria: Invitae Variant Classification Sherloc (09022015). Collection method: clinical testing. Allele origin: germline.
Comment: This sequence change replaces glutamic acid, which is acidic and polar, with aspartic acid, which is acidic and polar, at codon 467 of the ADCY10 protein (p.Glu467Asp). This variant is present in population databases (rs761630756, gnomAD 0.06%). This variant has not been reported in the literature in individuals affected with ADCY10-related conditions. ClinVar contains an entry for this variant (Variation ID: 1393873). An algorithm developed to predict the effect of missense changes on protein structure and function (PolyPhen-2) suggests that this variant is likely to be disruptive. Algorithms developed to predict the effect of sequence changes on RNA splicing suggest that this variant may create or strengthen a splice site. In summary, the available evidence is currently insufficient to determine the role of this variant in disease. Therefore, it has been classified as a Variant of Uncertain Significance.

Foundation for Research in Genetics and Endocrinology, FRIGE's Institute of Human Genetics
Classification: Uncertain significance. Review status: criteria provided, single submitter. Criteria: ACMG Guidelines, 2015. Collection method: clinical testing. Allele origin: germline. Inheritance: Autosomal recessive inheritance. Affected: yes. Observed: 1 compound heterozygote.
Comment: A heterozygous missense variant in exon 12 of the ADCY10 gene that results in the amino acid substitution of aspartic acid for glutamic acid at codon 467 was detected. The observed variant c.1401G>C (p.Glu467Asp) has not been reported in the 1000 genomes and has MAF of 0.0048% in gnomAD databases. The in silico prediction of the variant are possibly damaging by PolyPhen-2 (HumDiv), MutationTaster2 and SIFT. The reference codon is conserved across species. In summary, the variant meets our criteria to be classified as variant of uncertain significance.

NM_018417.6(ADCY10):c.1401G>C (p.Glu467Asp)

Genes: ADCY10 (adenylate cyclase 10; minus strand), DCAF6 (DDB1 and CUL4 associated factor 6; plus strand). Cytogenetic location: 1q24.2.
Variant type: single nucleotide variant.
Coding change: c.1401G>C on transcript NM_018417.6 (MANE Select); coding-DNA position 1401, G replaced by C.
Protein change: p.Glu467Asp; replaces glutamic acid 467 with aspartic acid.
Molecular consequence: missense variant.
Genome position (GRCh38, 1-based): chr1:167,878,451, C>G on the plus strand (G>C on the coding strand, the complement: ADCY10 is on the minus strand). VCF-style: chr1-167878451-C-G. GRCh37 (hg19) VCF-style: chr1-167847689-C-G.
Other names: p.Glu467Asp; c.942G>C, p.Glu314Asp (NM_001167749.3); c.1125G>C, p.Glu375Asp (NM_001297772.2); short protein forms E314D, E375D, E467D.
Identifiers: ClinVar variation 1393873 (VCV001393873.9), dbSNP rs761630756, ClinGen allele CA1227964.
Genomic context (GRCh38, chr1:167,878,451, plus strand): 5'-TAATTCTCCCGCTTCTTTACTAAAATATACTTCAAAATTAATGCTCCACACTCACACTTT[C>G]TCAGTACGGCCCCAATACTGATACAATGGTCCAGAATCTGCAACACCTTTCATAACTTTC-3'
Protein context (NP_060887.2, residues 457-477): GPLYQYWGRT[Glu467Asp]KVMFGMACLI